The following is an entry in ClinVar:

NM_012414.4(RAB3GAP2):c.3673G>A (p.Val1225Ile)

Gene: RAB3GAP2 (RAB3 GTPase activating non-catalytic protein subunit 2; minus strand). Cytogenetic location: 1q41.
Variant type: single nucleotide variant.
Coding change: c.3673G>A on transcript NM_012414.4 (MANE Select); coding-DNA position 3673, G replaced by A.
Protein change: p.Val1225Ile; replaces valine 1225 with isoleucine.
Molecular consequence: missense variant.
Genome position (GRCh38, 1-based): chr1:220,153,379, C>T on the plus strand (G>A on the coding strand, the complement: RAB3GAP2 is on the minus strand). VCF-style: chr1-220153379-C-T. GRCh37 (hg19) VCF-style: chr1-220326721-C-T.
Other names: short protein forms V1225I.
Identifiers: ClinVar variation 1053549 (VCV001053549.7), dbSNP rs148340670, ClinGen allele CA1402063.

ClinVar aggregate classification (germline): Uncertain significance (1 of 4 stars; one submission).

Conditions:
Martsolf syndrome (MARTS). Also called: Congenital cataract with intellectual disability and hypogonadotropic hypogonadism syndrome. Identifiers: Orphanet 1387, MedGen C0796037, MONDO:0023910.
Warburg micro syndrome 2 (WARBM2). Also called: MICRO SYNDROME 2. Identifiers: Orphanet 2510, MedGen C3280214, MONDO:0013641, OMIM 614225.

Allele frequency attached by ClinVar (database versions not stated): gnomAD exomes below 0.00001; ExAC 0.00001; gnomAD 0.00001; TOPMed 0.00002; ESP Exome Variant Server 0.00008.
gnomAD v4.1: 8 of 1,614,036 alleles (0.0005%); highest among the groups gnomAD compares: South Asian, 0.0011%; no homozygotes.

Submission:

Labcorp Genetics (formerly Invitae), Labcorp
Classification: Uncertain significance for Martsolf syndrome; Warburg micro syndrome 2. Last evaluated: 2020-05-26. Review status: criteria provided, single submitter. Criteria: Invitae Variant Classification Sherloc (09022015). Collection method: clinical testing. Allele origin: germline.
Comment: Algorithms developed to predict the effect of missense changes on protein structure and function (SIFT, PolyPhen-2, Align-GVGD) all suggest that this variant is likely to be tolerated, but these predictions have not been confirmed by published functional studies and their clinical significance is uncertain. This variant has not been reported in the literature in individuals with RAB3GAP2-related conditions. This variant is present in population databases (rs148340670, ExAC 0.001%). This sequence change replaces valine with isoleucine at codon 1225 of the RAB3GAP2 protein (p.Val1225Ile). The valine residue is moderately conserved and there is a small physicochemical difference between valine and isoleucine. In summary, the available evidence is currently insufficient to determine the role of this variant in disease. Therefore, it has been classified as a Variant of Uncertain Significance.